The following is an entry in ClinVar:

ClinVar aggregate classification (germline): Uncertain significance (1 of 4 stars; one submission).

Conditions:
Cardiovascular phenotype. Identifiers: MedGen CN230736.

Allele frequency attached by ClinVar (database versions not stated): TOPMed below 0.00001; gnomAD 0.00001.
gnomAD v4.1: 1 of 1,613,998 alleles (0.000062%); highest among the groups gnomAD compares: Non-Finnish European, 0.000085%; no homozygotes.

Submission:

Ambry Genetics
Classification: Uncertain significance for Cardiovascular phenotype. Last evaluated: 2022-06-14. Review status: criteria provided, single submitter. Criteria: Ambry Variant Classification Scheme 2023. Collection method: clinical testing. Allele origin: germline.
Comment: The p.I72V variant (also known as c.214A>G), located in coding exon 1 of the SHOC2 gene, results from an A to G substitution at nucleotide position 214. The isoleucine at codon 72 is replaced by valine, an amino acid with highly similar properties. This amino acid position is conserved. In addition, the in silico prediction for this alteration is inconclusive. Since supporting evidence is limited at this time, the clinical significance of this alteration remains unclear.

NM_007373.4(SHOC2):c.214A>G (p.Ile72Val)

Gene: SHOC2 (SHOC2 leucine rich repeat scaffold protein; plus strand). Cytogenetic location: 10q25.2.
Variant type: single nucleotide variant.
Coding change: c.214A>G on transcript NM_007373.4 (MANE Select); coding-DNA position 214, A replaced by G.
Protein change: p.Ile72Val; replaces isoleucine 72 with valine.
Molecular consequence: missense variant.
Genome position (GRCh38, 1-based): chr10:110,964,572, A>G. VCF-style: chr10-110964572-A-G. GRCh37 (hg19) VCF-style: chr10-112724330-A-G.
Other names: c.214A>G, p.Ile72Val (NM_001269039.3, NM_001324336.2, NM_001324337.2); short protein forms I72V.
Identifiers: ClinVar variation 1786700 (VCV001786700.2), dbSNP rs1467483630, ClinGen allele CA378382592.